The following is an entry in ClinVar:

NM_138420.4(AHNAK2):c.2735C>T (p.Pro912Leu)

Gene: AHNAK2 (AHNAK nucleoprotein 2; minus strand). Cytogenetic location: 14q32.33.
Variant type: single nucleotide variant.
Coding change: c.2735C>T on transcript NM_138420.4 (MANE Select); coding-DNA position 2735, C replaced by T.
Protein change: p.Pro912Leu; replaces proline 912 with leucine.
Molecular consequence: missense variant.
Genome position (GRCh38, 1-based): chr14:104,952,716, G>A on the plus strand (C>T on the coding strand, the complement: AHNAK2 is on the minus strand). VCF-style: chr14-104952716-G-A. GRCh37 (hg19) VCF-style: chr14-105419053-G-A.
Other names: c.2435C>T, p.Pro812Leu (NM_001350929.2); short protein forms P812L, P912L.
Identifiers: ClinVar variation 3510596 (VCV003510596.2).

ClinVar aggregate classification (germline): Likely benign. Review status: criteria provided, multiple submitters, no conflicts (2 of 4 stars). 2 submissions from 2 submitters: Likely benign (2). Last evaluated 2026-07-01.

Submissions (2):

CeGaT Center for Human Genetics Tuebingen
Classification: Likely benign. Last evaluated: 2026-07-01. Review status: criteria provided, single submitter. Criteria: CeGaT Center For Human Genetics Tuebingen Variant Classification Criteria Version 2. Collection method: clinical testing. Allele origin: germline. Affected: yes. Observed: 1 variant allele.
Comment: AHNAK2: BP4

Ambry Genetics
Classification: Likely benign. Last evaluated: 2024-09-27. Review status: criteria provided, single submitter. Criteria: Ambry Variant Classification Scheme 2023. Collection method: clinical testing. Allele origin: germline.